The following is an entry in ClinVar:

ClinVar aggregate classification (germline): Likely benign. Review status: criteria provided, multiple submitters, no conflicts (2 of 4 stars). 3 submissions from 3 submitters: Likely benign (3). Last evaluated 2025-10-29.

Conditions:
Dilated cardiomyopathy 1W (CMD1W). Identifiers: Orphanet 154, MedGen C1969639, MONDO:0012667, OMIM 611407.
VCL-related disorder. Also called: VCL-related condition.
Cardiovascular phenotype. Identifiers: MedGen CN230736.

Allele frequency attached by ClinVar (database versions not stated): gnomAD exomes below 0.00001 and 0.00001.
gnomAD v4.1: 16 of 1,614,182 alleles (0.00099%); highest among the groups gnomAD compares: Non-Finnish European, 0.0014%; no homozygotes.

Submissions (3):

Labcorp Genetics (formerly Invitae), Labcorp
Classification: Likely benign for Dilated cardiomyopathy 1W. Last evaluated: 2025-10-29. Review status: criteria provided, single submitter. Criteria: Invitae Variant Classification Sherloc (09022015). Collection method: clinical testing. Allele origin: germline.

PreventionGenetics, part of Exact Sciences
Classification: Likely benign for VCL-related condition. Last evaluated: 2025-06-09. Review status: criteria provided, single submitter. Criteria: ACMG Guidelines, 2015. Collection method: clinical testing. Allele origin: germline.
Comment: This variant is classified as likely benign based on ACMG/AMP sequence variant interpretation guidelines (Richards et al. 2015 PMID: 25741868, with internal and published modifications).

Ambry Genetics
Classification: Likely benign for Cardiovascular phenotype. Last evaluated: 2023-02-12. Review status: criteria provided, single submitter. Criteria: Ambry Variant Classification Scheme 2023. Collection method: clinical testing. Allele origin: germline.

NM_014000.3(VCL):c.1641A>G (p.Arg547=)

Gene: VCL (vinculin; plus strand). Cytogenetic location: 10q22.2.
Variant type: single nucleotide variant.
Coding change: c.1641A>G on transcript NM_014000.3 (MANE Select); coding-DNA position 1641, A replaced by G.
Protein change: p.Arg547=; no amino-acid change (arginine 547 retained).
Molecular consequence: synonymous variant.
Genome position (GRCh38, 1-based): chr10:74,095,753, A>G. VCF-style: chr10-74095753-A-G. GRCh37 (hg19) VCF-style: chr10-75855511-A-G.
Other names: c.1641A>G, p.Arg547= (NM_003373.4); c.1641A>G (NM_014000.2).
Identifiers: ClinVar variation 1094122 (VCV001094122.11), dbSNP rs1246258740, ClinGen allele CA470174792.